The following is an entry in ClinVar:

NM_000548.5(TSC2):c.4385C>G (p.Thr1462Ser)

Gene: TSC2 (TSC complex subunit 2; plus strand). Cytogenetic location: 16p13.3.
Variant type: single nucleotide variant.
Coding change: c.4385C>G on transcript NM_000548.5 (MANE Select); coding-DNA position 4385, C replaced by G.
Protein change: p.Thr1462Ser; replaces threonine 1462 with serine.
Molecular consequence: missense variant.
Genome position (GRCh38, 1-based): chr16:2,084,607, C>G. VCF-style: chr16-2084607-C-G. GRCh37 (hg19) VCF-style: chr16-2134608-C-G.
Other names: p.T1462S:ACC>AGC; c.4184C>G, p.Thr1395Ser (NM_001077183.3); c.4316C>G, p.Thr1439Ser (NM_001114382.3); c.4076C>G, p.Thr1359Ser (NM_001318827.2); c.4040C>G, p.Thr1347Ser (NM_001318829.2); c.3653C>G, p.Thr1218Ser (NM_001318831.2); c.4217C>G, p.Thr1406Ser (NM_001318832.2); c.4187C>G, p.Thr1396Ser (NM_001363528.2); and 2 more; short protein forms T1462S, T1218S, T1406S, T1347S, T1419S, T1395S, T1396S, T1439S.
Identifiers: ClinVar variation 207684 (VCV000207684.20), dbSNP rs373018205, ClinGen allele CA051006.

ClinVar aggregate classification (germline): Conflicting classifications of pathogenicity. Review status: criteria provided, conflicting classifications (1 of 4 stars). 5 submissions from 5 submitters: Uncertain significance (2); Likely benign (3). Last evaluated 2025-12-17.

Conditions:
Tuberous sclerosis 2 (TSC2). Identifiers: Orphanet 805, MedGen C1860707, MONDO:0013199, OMIM 613254.
Hereditary cancer-predisposing syndrome. Also called: Neoplastic Syndromes, Hereditary; Hereditary Cancer Syndrome; Tumor predisposition; Hereditary neoplastic syndrome. Identifiers: Orphanet 140162, MedGen C0027672, MeSH D009386, MONDO:0015356.
Tuberous sclerosis syndrome (TSC). Also called: Tuberous Sclerosis Complex; Tuberous sclerosis. Identifiers: Orphanet 805, MedGen C0041341, MONDO:0001734.

Allele frequency attached by ClinVar (database versions not stated): TOPMed below 0.00001; gnomAD 0.00001; gnomAD exomes 0.00001 and 0.00002; ExAC 0.00003; ESP Exome Variant Server 0.00008.
gnomAD v4.1: 10 of 1,602,806 alleles (0.00062%); highest among the groups gnomAD compares: Middle Eastern, 0.033%; no homozygotes.

Submissions (5):

Labcorp Genetics (formerly Invitae), Labcorp
Classification: Likely benign for Tuberous sclerosis 2. Last evaluated: 2025-12-17. Review status: criteria provided, single submitter. Criteria: Invitae Variant Classification Sherloc (09022015). Collection method: clinical testing. Allele origin: germline.

Ambry Genetics
Classification: Uncertain significance for Hereditary cancer-predisposing syndrome. Last evaluated: 2024-10-01. Review status: criteria provided, single submitter. Criteria: Ambry Variant Classification Scheme 2023. Collection method: clinical testing. Allele origin: germline.
Comment: The p.T1462S variant (also known as c.4385C>G), located in coding exon 33 of the TSC2 gene, results from a C to G substitution at nucleotide position 4385. The threonine at codon 1462 is replaced by serine, an amino acid with similar properties. This amino acid position is highly conserved in available vertebrate species. In addition, this alteration is predicted to be deleterious by in silico analysis. Based on the available evidence, the clinical significance of this variant remains unclear.

All of Us Research Program, National Institutes of Health
Classification: Uncertain significance for Tuberous sclerosis syndrome. Last evaluated: 2024-02-22. Review status: criteria provided, single submitter. Criteria: ACMG Guidelines, 2015. Collection method: clinical testing. Allele origin: germline. Inheritance: Autosomal dominant inheritance. Observed: 1 variant allele, 1 heterozygote.
Comment: This missense variant replaces threonine with serine at codon 1462 of the TSC2 protein. Computational prediction suggests that this variant may not impact protein structure and function. To our knowledge, functional studies have not been reported for this variant. This variant has not been reported in individuals affected with TSC2-related disorders in the literature. This variant has been identified in 5/238746 chromosomes in the general population by the Genome Aggregation Database (gnomAD). The available evidence is insufficient to determine the role of this variant in disease conclusively. Therefore, this variant is classified as a Variant of Uncertain Significance.

This study involves interpretation of variants in research participants for the purpose of population health screening. Participant phenotype was not available at the time of variant classification. Additional details can be found in publication PMID: 35346344, PMCID: PMC8962531

Genome-Nilou Lab
Classification: Likely benign for Tuberous sclerosis 2. Last evaluated: 2021-11-07. Review status: criteria provided, single submitter. Criteria: ACMG Guidelines, 2015. Collection method: clinical testing. Allele origin: germline. Affected: no.

GeneDx
Classification: Likely benign. Last evaluated: 2018-10-22. Review status: criteria provided, single submitter. Criteria: GeneDx Variant Classification Process June 2021. Collection method: clinical testing. Allele origin: germline. Affected: yes.